The following is an entry in ClinVar:

ClinVar aggregate classification (germline): Uncertain significance (1 of 4 stars; one submission).

Conditions:
Hereditary cancer-predisposing syndrome. Also called: Tumor predisposition; Neoplastic Syndromes, Hereditary; Hereditary Cancer Syndrome; Hereditary neoplastic syndrome. Identifiers: Orphanet 140162, MedGen C0027672, MeSH D009386, MONDO:0015356.

Submission:

Ambry Genetics
Classification: Uncertain significance for Hereditary cancer-predisposing syndrome. Last evaluated: 2025-02-12. Review status: criteria provided, single submitter. Criteria: Ambry Variant Classification Scheme 2023. Collection method: clinical testing. Allele origin: germline.
Comment: The p.F462L variant (also known as c.1386C>G), located in coding exon 2 of the MET gene, results from a C to G substitution at nucleotide position 1386. The phenylalanine at codon 462 is replaced by leucine, an amino acid with highly similar properties. This amino acid position is highly conserved in available vertebrate species. In addition, the in silico prediction for this alteration is inconclusive. Based on the available evidence, the clinical significance of this variant remains unclear.

NM_000245.4(MET):c.1386C>G (p.Phe462Leu)

Gene: MET (MET proto-oncogene, receptor tyrosine kinase; plus strand). Cytogenetic location: 7q31.2.
Variant type: single nucleotide variant.
Coding change: c.1386C>G on transcript NM_000245.4 (MANE Select); coding-DNA position 1386, C replaced by G.
Protein change: p.Phe462Leu; replaces phenylalanine 462 with leucine.
Molecular consequence: missense variant.
Genome position (GRCh38, 1-based): chr7:116,731,853, C>G. VCF-style: chr7-116731853-C-G. GRCh37 (hg19) VCF-style: chr7-116371907-C-G.
Other names: c.1386C>G, p.Phe462Leu (NM_001127500.3, NM_001324401.3); c.96C>G, p.Phe32Leu (NM_001324402.2); short protein forms F32L, F462L.
Identifiers: ClinVar variation 3872379 (VCV003872379.1).
Genomic context (GRCh38, chr7:116,731,853, plus strand): 5'-ATCCACCTTCATTAAAGGAGACCTCACCATAGCTAATCTTGGGACATCAGAGGGTCGCTT[C>G]ATGCAGGTAAGTGCTTTCTGAGAGTAGCTGTGTCTGTTCTATCTGGTATTGTGCAATTAA-3'
Protein context (NP_000236.2, residues 452-472): IANLGTSEGR[Phe462Leu]MQVVVSRSGP